The following is an entry in ClinVar:

NM_000642.3(AGL):c.4166C>G (p.Pro1389Arg)

Gene: AGL (amylo-alpha-1,6-glucosidase and 4-alpha-glucanotransferase; plus strand). Cytogenetic location: 1p21.2.
Variant type: single nucleotide variant.
Coding change: c.4166C>G on transcript NM_000642.3 (MANE Select); coding-DNA position 4166, C replaced by G.
Protein change: p.Pro1389Arg; replaces proline 1389 with arginine.
Molecular consequence: missense variant.
Genome position (GRCh38, 1-based): chr1:99,915,393, C>G. VCF-style: chr1-99915393-C-G. GRCh37 (hg19) VCF-style: chr1-100380949-C-G.
Other names: c.4166C>G, p.Pro1389Arg (NM_000644.3, NM_001425325.1, NM_000028.3 and 1 more transcripts); c.4118C>G, p.Pro1373Arg (NM_000646.3); c.3962C>G, p.Pro1321Arg (NM_001425328.1); c.3827C>G, p.Pro1276Arg (NM_001425329.1); c.4145C>G, p.Pro1382Arg (NM_001425326.1); c.3965C>G, p.Pro1322Arg (NM_001425327.1); c.3788C>G, p.Pro1263Arg (NM_001425332.1); short protein forms P1373R, P1389R, P1263R, P1276R, P1321R, P1322R, P1382R.
Identifiers: ClinVar variation 1426622 (VCV001426622.4), dbSNP rs2100868485, ClinGen allele CA341340797.

ClinVar aggregate classification (germline): Uncertain significance (1 of 4 stars; one submission).

Conditions:
Glycogen storage disease type III (GSD3). Also called: FORBES DISEASE; Cori disease. Identifiers: Orphanet 366, MedGen C0017922, MONDO:0009291, OMIM 232400.

Allele frequency attached by ClinVar (database versions not stated): gnomAD exomes below 0.00001.
gnomAD v4.1: 2 of 1,613,628 alleles (0.00012%); highest among the groups gnomAD compares: East Asian, 0.0022%; no homozygotes.

Submission:

Labcorp Genetics (formerly Invitae), Labcorp
Classification: Uncertain significance for Glycogen storage disease type III. Last evaluated: 2024-01-11. Review status: criteria provided, single submitter. Criteria: Invitae Variant Classification Sherloc (09022015). Collection method: clinical testing. Allele origin: germline.
Comment: This sequence change replaces proline, which is neutral and non-polar, with arginine, which is basic and polar, at codon 1389 of the AGL protein (p.Pro1389Arg). This variant is not present in population databases (gnomAD no frequency). This variant has not been reported in the literature in individuals affected with AGL-related conditions. ClinVar contains an entry for this variant (Variation ID: 1426622). Advanced modeling of protein sequence and biophysical properties (such as structural, functional, and spatial information, amino acid conservation, physicochemical variation, residue mobility, and thermodynamic stability) performed at Invitae indicates that this missense variant is expected to disrupt AGL protein function with a positive predictive value of 80%. In summary, the available evidence is currently insufficient to determine the role of this variant in disease. Therefore, it has been classified as a Variant of Uncertain Significance.